The following is an entry in ClinVar:

ClinVar aggregate classification (germline): Conflicting classifications of pathogenicity. Review status: criteria provided, conflicting classifications (1 of 4 stars). 4 submissions from 4 submitters: Uncertain significance (1); Likely benign (3). Last evaluated 2025-09-08.

Conditions:
Inborn genetic diseases. Identifiers: MedGen C0950123, MeSH D030342.
KMT2A-related disorder. Also called: KMT2A-related condition.

Allele frequency attached by ClinVar (database versions not stated): gnomAD exomes 0.00001 and 0.00003; ExAC 0.00004; ESP Exome Variant Server 0.00008; gnomAD 0.00011 and 0.00012; TOPMed 0.00011.

Submissions (4):

Labcorp Genetics (formerly Invitae), Labcorp
Classification: Likely benign. Last evaluated: 2025-09-08. Review status: criteria provided, single submitter. Criteria: Invitae Variant Classification Sherloc (09022015). Collection method: clinical testing. Allele origin: germline.

Ambry Genetics
Classification: Likely benign for Inborn genetic diseases. Last evaluated: 2025-02-19. Review status: criteria provided, single submitter. Criteria: Ambry Variant Classification Scheme 2023. Collection method: clinical testing. Allele origin: germline.

PreventionGenetics, part of Exact Sciences
Classification: Uncertain significance for KMT2A-related condition. Last evaluated: 2023-06-02. Review status: criteria provided, single submitter. Criteria: ACMG Guidelines, 2015. Collection method: clinical testing. Allele origin: germline.
Comment: The KMT2A c.3722G>C variant is predicted to result in the amino acid substitution p.Ser1241Thr. To our knowledge, this variant has not been reported in the literature. This variant is reported in 0.044% of alleles in individuals of African descent in gnomAD. At this time, the clinical significance of this variant is uncertain due to the absence of conclusive functional and genetic evidence.

Blueprint Genetics
Classification: Likely benign. Last evaluated: 2022-07-29. Review status: criteria provided, single submitter. Criteria: ACMG Guidelines, 2015. Collection method: clinical testing. Allele origin: germline.

NM_001197104.2(KMT2A):c.3722G>C (p.Ser1241Thr)

Gene: KMT2A (lysine methyltransferase 2A; plus strand). Cytogenetic location: 11q23.3.
Variant type: single nucleotide variant.
Coding change: c.3722G>C on transcript NM_001197104.2 (MANE Select); coding-DNA position 3722, G replaced by C.
Protein change: p.Ser1241Thr; replaces serine 1241 with threonine.
Molecular consequence: missense variant.
Genome position (GRCh38, 1-based): chr11:118,481,802, G>C. VCF-style: chr11-118481802-G-C. GRCh37 (hg19) VCF-style: chr11-118352517-G-C.
Other names: c.3722G>C, p.Ser1241Thr (NM_005933.4); c.3722G>C (NM_001197104.1); short protein forms S1241T.
Identifiers: ClinVar variation 1559038 (VCV001559038.10), dbSNP rs142658261, ClinGen allele CA6303717.